The following is an entry in ClinVar:

ClinVar aggregate classification (germline): Uncertain significance. Review status: criteria provided, multiple submitters, no conflicts (2 of 4 stars). 3 submissions from 3 submitters: Uncertain significance (3). Last evaluated 2023-03-01.

Conditions:
Inborn genetic diseases. Identifiers: MedGen C0950123, MeSH D030342.
Muscular dystrophy-dystroglycanopathy (congenital with brain and eye anomalies), type A13. Also called: WALKER-WARBURG SYNDROME OR MUSCLE-EYE-BRAIN DISEASE, B3GNT1-RELATED; Muscular dystrophy-dystroglycanopathy (congenital with brain and eye anomalies), type a, 13. Identifiers: Orphanet 899, MedGen C3809042, MONDO:0014120, OMIM 615287.

Allele frequency attached by ClinVar (database versions not stated): gnomAD exomes 0.00001; gnomAD 0.00003; TOPMed 0.00003.
gnomAD v4.1: 16 of 1,576,444 alleles (0.001%); highest among the groups gnomAD compares: African/African-American, 0.0014%; no homozygotes.

Submissions (3):

Ambry Genetics
Classification: Uncertain significance for Inborn genetic diseases. Last evaluated: 2023-03-01. Review status: criteria provided, single submitter. Criteria: Ambry Variant Classification Scheme 2023. Collection method: clinical testing. Allele origin: germline.

GeneDx
Classification: Uncertain significance. Last evaluated: 2022-12-27. Review status: criteria provided, single submitter. Criteria: GeneDx Variant Classification Process June 2021. Collection method: clinical testing. Allele origin: germline. Affected: yes.
Comment: Not observed at significant frequency in large population cohorts (gnomAD); In silico analysis, which includes protein predictors and evolutionary conservation, supports that this variant does not alter protein structure/function; Has not been previously published as pathogenic or benign to our knowledge

Labcorp Genetics (formerly Invitae), Labcorp
Classification: Uncertain significance for Muscular dystrophy-dystroglycanopathy (congenital with brain and eye anomalies), type A13. Last evaluated: 2022-07-15. Review status: criteria provided, single submitter. Criteria: Invitae Variant Classification Sherloc (09022015). Collection method: clinical testing. Allele origin: germline.
Comment: This sequence change replaces leucine, which is neutral and non-polar, with proline, which is neutral and non-polar, at codon 113 of the B4GAT1 protein (p.Leu113Pro). The frequency data for this variant in the population databases is considered unreliable, as metrics indicate poor data quality at this position in the gnomAD database. This variant has not been reported in the literature in individuals affected with B4GAT1-related conditions. ClinVar contains an entry for this variant (Variation ID: 1307190). Algorithms developed to predict the effect of missense changes on protein structure and function (SIFT, PolyPhen-2, Align-GVGD) all suggest that this variant is likely to be disruptive. In summary, the available evidence is currently insufficient to determine the role of this variant in disease. Therefore, it has been classified as a Variant of Uncertain Significance.

NM_006876.3(B4GAT1):c.338T>C (p.Leu113Pro)

Gene: B4GAT1 (beta-1,4-glucuronyltransferase 1; minus strand). Cytogenetic location: 11q13.2.
Variant type: single nucleotide variant.
Coding change: c.338T>C on transcript NM_006876.3 (MANE Select); coding-DNA position 338, T replaced by C.
Protein change: p.Leu113Pro; replaces leucine 113 with proline.
Molecular consequence: missense variant.
Genome position (GRCh38, 1-based): chr11:66,347,208, A>G on the plus strand (T>C on the coding strand, the complement: B4GAT1 is on the minus strand). VCF-style: chr11-66347208-A-G. GRCh37 (hg19) VCF-style: chr11-66114679-A-G.
Other names: short protein forms L113P.
Identifiers: ClinVar variation 1307190 (VCV001307190.5), dbSNP rs757942327, ClinGen allele CA6120574.